The following is an entry in ClinVar:

ClinVar aggregate classification (germline): Uncertain significance (1 of 4 stars; one submission).

Conditions:
Inborn genetic diseases. Identifiers: MedGen C0950123, MeSH D030342.

Submission:

Ambry Genetics
Classification: Uncertain significance for Inborn genetic diseases. Last evaluated: 2025-12-11. Review status: criteria provided, single submitter. Criteria: Ambry Variant Classification Scheme 2023. Collection method: clinical testing. Allele origin: germline.
Comment: The p.T346I variant (also known as c.1037C>T), located in coding exon 8 of the FANCG gene, results from a C to T substitution at nucleotide position 1037. The threonine at codon 346 is replaced by isoleucine, an amino acid with similar properties. This amino acid position is conserved. In addition, this alteration is predicted to be tolerated by in silico analysis. Based on the available evidence, the clinical significance of this variant remains unclear.

NM_004629.2(FANCG):c.1037C>T (p.Thr346Ile)

Gene: FANCG (FA complementation group G; minus strand). Cytogenetic location: 9p13.3.
Variant type: single nucleotide variant.
Coding change: c.1037C>T on transcript NM_004629.2 (MANE Select); coding-DNA position 1037, C replaced by T.
Protein change: p.Thr346Ile; replaces threonine 346 with isoleucine.
Molecular consequence: missense variant.
Genome position (GRCh38, 1-based): chr9:35,076,471, G>A on the plus strand (C>T on the coding strand, the complement: FANCG is on the minus strand). VCF-style: chr9-35076471-G-A. GRCh37 (hg19) VCF-style: chr9-35076468-G-A.
Other names: short protein forms T346I.
Identifiers: ClinVar variation 4619404 (VCV004619404.1).